The following is an entry in ClinVar:

NM_007294.4(BRCA1):c.2567A>G (p.Tyr856Cys)

Gene: BRCA1 (BRCA1 DNA repair associated; minus strand). Cytogenetic location: 17q21.31.
Variant type: single nucleotide variant.
Coding change: c.2567A>G on transcript NM_007294.4 (MANE Select); coding-DNA position 2567, A replaced by G.
Protein change: p.Tyr856Cys; replaces tyrosine 856 with cysteine.
Molecular consequence: missense variant. On other transcripts: intron variant (137).
Genome position (GRCh38, 1-based): chr17:43,092,964, T>C on the plus strand (A>G on the coding strand, the complement: BRCA1 is on the minus strand). VCF-style: chr17-43092964-T-C. GRCh37 (hg19) VCF-style: chr17-41244981-T-C.
Other names: c.2567A>G, p.Tyr856Cys (NM_001407585.1, NM_001407593.1, NM_001407594.1 and 30 more transcripts); c.2564A>G, p.Tyr855Cys (NM_001407587.1, NM_001407590.1, NM_001407591.1 and 22 more transcripts); c.2558A>G, p.Tyr853Cys (NM_001407646.1, NM_001407647.1); c.2444A>G, p.Tyr815Cys (NM_001407648.1, NM_001407664.1, NM_001407665.1 and 19 more transcripts); c.2441A>G, p.Tyr814Cys (NM_001407649.1, NM_001407670.1, NM_001407671.1 and 11 more transcripts); c.2489A>G, p.Tyr830Cys (NM_001407653.1, NM_001407654.1, NM_001407655.1 and 4 more transcripts); c.2486A>G, p.Tyr829Cys (NM_001407659.1, NM_001407660.1, NM_001407661.1 and 1 more transcripts); c.2426A>G, p.Tyr809Cys (NM_001407692.1, NM_001407694.1, NM_001407695.1 and 29 more transcripts); and 41 more; short protein forms Y856C, Y809C, Y560C, Y688C, Y728C, Y767C, Y814C, Y786C.
Identifiers: ClinVar variation 219500 (VCV000219500.14), dbSNP rs864622122, ClinGen allele CA348738.

ClinVar aggregate classification (germline): Conflicting classifications of pathogenicity. Review status: criteria provided, conflicting classifications (1 of 4 stars). 5 submissions from 5 submitters: Uncertain significance (3); Likely benign (1). 1 of the submissions does not count toward it. Last evaluated 2023-10-06.

Conditions:
Hereditary cancer-predisposing syndrome. Also called: Hereditary neoplastic syndrome; Tumor predisposition; Hereditary Cancer Syndrome; Neoplastic Syndromes, Hereditary. Identifiers: Orphanet 140162, MedGen C0027672, MeSH D009386, MONDO:0015356.
Hereditary breast ovarian cancer syndrome. Also called: BRCA1- and BRCA2-Associated Hereditary Breast and Ovarian Cancer; Hereditary breast and ovarian cancer syndrome (HBOC); Hereditary breast and/or ovarian cancer syndrome; Hereditary breast and ovarian cancer syndrome; Hereditary breast and ovarian cancer; Breast and ovarian cancer. Identifiers: Orphanet 145, MedGen C0677776, MeSH D061325, MONDO:0003582. Disease mechanism: loss of function.

Submissions (5):

Ambry Genetics
Classification: Uncertain significance for Hereditary cancer-predisposing syndrome. Last evaluated: 2023-10-06. Review status: criteria provided, single submitter. Criteria: Ambry Variant Classification Scheme 2023. Collection method: clinical testing. Allele origin: germline.
Comment: The p.Y856C variant (also known as c.2567A>G), located in coding exon 9 of the BRCA1 gene, results from an A to G substitution at nucleotide position 2567. The tyrosine at codon 856 is replaced by cysteine, an amino acid with highly dissimilar properties. This amino acid position is well conserved in available vertebrate species. In addition, the in silico prediction for this alteration is inconclusive. Since supporting evidence is limited at this time, the clinical significance of this alteration remains unclear.

University of Washington Department of Laboratory Medicine, University of Washington
Classification: Likely benign for Hereditary cancer-predisposing syndrome. Last evaluated: 2023-03-23. Review status: criteria provided, single submitter. Criteria: Dines et al. (Genet Med. 2020). Collection method: curation. Allele origin: germline.
Comment: Missense variant in a coldspot region where missense variants are very unlikely to be pathogenic (PMID:31911673).

BRCA1 coldspot (exon 11 using historical exon numbering). Reclassification based on statistical prior probability

Labcorp Genetics (formerly Invitae), Labcorp
Classification: Uncertain significance for Hereditary breast ovarian cancer syndrome. Last evaluated: 2022-04-04. Review status: criteria provided, single submitter. Criteria: Invitae Variant Classification Sherloc (09022015). Collection method: clinical testing. Allele origin: germline.
Comment: ClinVar contains an entry for this variant (Variation ID: 219500). This variant has not been reported in the literature in individuals affected with BRCA1-related conditions. This variant is not present in population databases (gnomAD no frequency). This sequence change replaces tyrosine, which is neutral and polar, with cysteine, which is neutral and slightly polar, at codon 856 of the BRCA1 protein (p.Tyr856Cys). Advanced modeling of protein sequence and biophysical properties (such as structural, functional, and spatial information, amino acid conservation, physicochemical variation, residue mobility, and thermodynamic stability) performed at Invitae indicates that this missense variant is not expected to disrupt BRCA1 protein function. In summary, the available evidence is currently insufficient to determine the role of this variant in disease. Therefore, it has been classified as a Variant of Uncertain Significance.

Women's Health and Genetics/Laboratory Corporation of America, LabCorp
Classification: Uncertain significance. Last evaluated: 2021-03-07. Review status: criteria provided, single submitter. Criteria: LabCorp Variant Classification Summary - May 2015. Collection method: clinical testing. Allele origin: germline.
Comment: Variant summary: BRCA1 c.2567A>G (p.Tyr856Cys) results in a non-conservative amino acid change in the encoded protein sequence. Three of five in-silico tools predict a damaging effect of the variant on protein function. The variant was absent in 251004 control chromosomes. The available data on variant occurrences in the general population are insufficient to allow any conclusion about variant significance. To our knowledge, no occurrence of c.2567A>G in individuals affected with Hereditary Breast And Ovarian Cancer Syndrome and no experimental evidence demonstrating its impact on protein function have been reported. At-least one co-occurrence withan other pathogenic variant has been observed at our laboratory (BRCA2 c.6592C>T, p.R2318*), providing supporting evidence for a benign role. One clinical diagnostic laboratory has submitted clinical-significance assessments for this variant to ClinVar after 2014 without evidence for independent evaluation and classified the variant as uncertain significance. Based on the evidence outlined above, the variant was classified as uncertain significance.

Department of Pathology and Laboratory Medicine, Sinai Health System
Classification: Uncertain significance. Review status: no assertion criteria provided. Collection method: clinical testing. Allele origin: unknown. Affected: yes. Observed: 1 variant allele. Study: The Canadian Open Genetics Repository (COGR). Not counted in ClinVar's aggregate classification.